The following is an entry in ClinVar:

NM_000152.5(GAA):c.1711C>G (p.Leu571Val)

Gene: GAA (alpha glucosidase; plus strand). Cytogenetic location: 17q25.3.
Variant type: single nucleotide variant.
Coding change: c.1711C>G on transcript NM_000152.5 (MANE Select); coding-DNA position 1711, C replaced by G.
Protein change: p.Leu571Val; replaces leucine 571 with valine.
Molecular consequence: missense variant.
Genome position (GRCh38, 1-based): chr17:80,112,057, C>G. VCF-style: chr17-80112057-C-G. GRCh37 (hg19) VCF-style: chr17-78085856-C-G.
Other names: c.1711C>G, p.Leu571Val (NM_001079803.3, NM_001079804.3, NM_001406741.1 and 1 more transcripts); short protein forms L571V.
Identifiers: ClinVar variation 2157772 (VCV002157772.2), dbSNP rs1405669960, ClinGen allele CA401369046.

ClinVar aggregate classification (germline): Uncertain significance. Review status: criteria provided, multiple submitters, no conflicts (2 of 4 stars). 2 submissions from 2 submitters: Uncertain significance (2). Last evaluated 2025-06-10.

Conditions:
Cardiovascular phenotype. Identifiers: MedGen CN230736.
Glycogen storage disease, type II (IOPD). Also called: GLYCOGENOSIS, GENERALIZED, CARDIAC FORM; GSD II; Glycogen storage disease type 2; Acid maltase deficiency disease; Aglucosidase alfa; Deficiency of alpha-glucosidase. Identifiers: Orphanet 365, MedGen C0017921, MONDO:0009290, OMIM 232300.

Submissions (2):

Ambry Genetics
Classification: Uncertain significance for Cardiovascular phenotype. Last evaluated: 2025-06-10. Review status: criteria provided, single submitter. Criteria: Ambry Variant Classification Scheme 2023. Collection method: clinical testing. Allele origin: germline.

Labcorp Genetics (formerly Invitae), Labcorp
Classification: Uncertain significance for Glycogen storage disease, type II. Last evaluated: 2021-08-24. Review status: criteria provided, single submitter. Criteria: Invitae Variant Classification Sherloc (09022015). Collection method: clinical testing. Allele origin: germline.
Comment: This sequence change replaces leucine with valine at codon 571 of the GAA protein (p.Leu571Val). The leucine residue is highly conserved and there is a small physicochemical difference between leucine and valine. This variant is not present in population databases (ExAC no frequency). This variant has not been reported in the literature in individuals affected with GAA-related conditions. Algorithms developed to predict the effect of missense changes on protein structure and function (SIFT, PolyPhen-2, Align-GVGD) all suggest that this variant is likely to be tolerated. In summary, the available evidence is currently insufficient to determine the role of this variant in disease. Therefore, it has been classified as a Variant of Uncertain Significance.